The following is an entry in ClinVar:

NM_016169.4(SUFU):c.521T>C (p.Ile174Thr)

Gene: SUFU (SUFU negative regulator of hedgehog signaling; plus strand). Cytogenetic location: 10q24.32.
Variant type: single nucleotide variant.
Coding change: c.521T>C on transcript NM_016169.4 (MANE Select); coding-DNA position 521, T replaced by C.
Protein change: p.Ile174Thr; replaces isoleucine 174 with threonine.
Molecular consequence: missense variant.
Genome position (GRCh38, 1-based): chr10:102,592,648, T>C. VCF-style: chr10-102592648-T-C. GRCh37 (hg19) VCF-style: chr10-104352405-T-C.
Other names: c.521T>C, p.Ile174Thr (NM_001178133.2); short protein forms I174T.
Identifiers: ClinVar variation 944963 (VCV000944963.11), dbSNP rs2063415661, ClinGen allele CA377908346.

ClinVar aggregate classification (germline): Uncertain significance. Review status: criteria provided, multiple submitters, no conflicts (2 of 4 stars). 2 submissions from 2 submitters: Uncertain significance (2). Last evaluated 2026-05-07.

Conditions:
Hereditary cancer-predisposing syndrome. Also called: Hereditary Cancer Syndrome; Neoplastic Syndromes, Hereditary; Tumor predisposition; Hereditary neoplastic syndrome. Identifiers: Orphanet 140162, MedGen C0027672, MeSH D009386, MONDO:0015356.
Gorlin syndrome. Also called: Nevoid Basal Cell Carcinoma Syndrome; Basal cell nevus syndrome. Identifiers: Orphanet 377, MedGen C0004779, MONDO:0007187.
Medulloblastoma (MDB). Also called: MEDULLOBLASTOMA PREDISPOSITION SYNDROME; Medulloblastoma, somatic. Identifiers: Orphanet 616, MedGen C0025149, MeSH D008527, MONDO:0007959, OMIM 155255, HP:0002885.

Allele frequency attached by ClinVar (database versions not stated): gnomAD exomes below 0.00001.
gnomAD v4.1: 1 of 1,614,172 alleles (0.000062%); highest among the groups gnomAD compares: Non-Finnish European, 0.000085%; no homozygotes.

Submissions (2):

Ambry Genetics
Classification: Uncertain significance for Hereditary cancer-predisposing syndrome. Last evaluated: 2026-05-07. Review status: criteria provided, single submitter. Criteria: Ambry Variant Classification Scheme 2023. Collection method: clinical testing. Allele origin: germline.
Comment: The p.I174T variant (also known as c.521T>C), located in coding exon 4 of the SUFU gene, results from a T to C substitution at nucleotide position 521. The isoleucine at codon 174 is replaced by threonine, an amino acid with similar properties. This amino acid position is highly conserved in available vertebrate species. In addition, this alteration is predicted to be deleterious by in silico analysis. Based on the available evidence, the clinical significance of this variant remains unclear.

Labcorp Genetics (formerly Invitae), Labcorp
Classification: Uncertain significance for Gorlin syndrome; Medulloblastoma. Last evaluated: 2024-12-12. Review status: criteria provided, single submitter. Criteria: Invitae Variant Classification Sherloc (09022015). Collection method: clinical testing. Allele origin: germline.
Comment: This sequence change replaces isoleucine, which is neutral and non-polar, with threonine, which is neutral and polar, at codon 174 of the SUFU protein (p.Ile174Thr). This variant is not present in population databases (gnomAD no frequency). This variant has not been reported in the literature in individuals affected with SUFU-related conditions. ClinVar contains an entry for this variant (Variation ID: 944963). Invitae Evidence Modeling of protein sequence and biophysical properties (such as structural, functional, and spatial information, amino acid conservation, physicochemical variation, residue mobility, and thermodynamic stability) indicates that this missense variant is not expected to disrupt SUFU protein function with a negative predictive value of 80%. In summary, the available evidence is currently insufficient to determine the role of this variant in disease. Therefore, it has been classified as a Variant of Uncertain Significance.